The following is an entry in ClinVar:

NM_001382567.1(STIM1):c.1634+237A>G

Gene: STIM1 (stromal interaction molecule 1; plus strand). Cytogenetic location: 11p15.4.
Variant type: single nucleotide variant.
Coding change: c.1634+237A>G on transcript NM_001382567.1 (MANE Select); 237 bases into the intron after coding-DNA position 1634, A replaced by G.
Molecular consequence: intron variant. On other transcripts: missense variant (2).
Genome position (GRCh38, 1-based): chr11:4,086,780, A>G. VCF-style: chr11-4086780-A-G. GRCh37 (hg19) VCF-style: chr11-4108010-A-G.
Other names: c.1778A>G, p.Tyr593Cys (NM_001277961.3); c.1556A>G, p.Tyr519Cys (NM_001382566.1); c.1319+237A>G (NM_001382578.1, NM_001382575.1, NM_001382576.1 and 2 more transcripts); c.1052+237A>G (NM_001382580.1, NM_001382581.1); c.1562+237A>G (NM_001382568.1); c.1541+237A>G (NM_001277962.2, NM_003156.4); c.1313+237A>G (NM_001382570.1); c.1406+237A>G (NM_001382569.1); and 1 more; short protein forms Y519C, Y593C.
Identifiers: ClinVar variation 5017876 (VCV005017876.1).

ClinVar aggregate classification (germline): Uncertain significance (1 of 4 stars; one submission).

gnomAD v4.1: 9 of 1,536,298 alleles (0.00059%); highest among the groups gnomAD compares: Admixed American, 0.002%; no homozygotes.

Submission:

GeneDx
Classification: Uncertain significance. Last evaluated: 2026-03-31. Review status: criteria provided, single submitter. Criteria: GeneDx Variant Classification Process June 2021. Collection method: clinical testing. Allele origin: germline.
Comment: Not observed at significant frequency in large population cohorts (gnomAD); In silico analysis supports a deleterious effect on splicing; Has not been previously published as pathogenic or benign to our knowledge; Reported using an alternate transcript of the gene